The following is an entry in ClinVar:

NM_004260.4(RECQL4):c.563C>G (p.Pro188Arg)

Gene: RECQL4 (RecQ like helicase 4; minus strand). Cytogenetic location: 8q24.3.
Variant type: single nucleotide variant.
Coding change: c.563C>G on transcript NM_004260.4 (MANE Select); coding-DNA position 563, C replaced by G.
Protein change: p.Pro188Arg; replaces proline 188 with arginine.
Molecular consequence: missense variant.
Genome position (GRCh38, 1-based): chr8:144,516,556, G>C on the plus strand (C>G on the coding strand, the complement: RECQL4 is on the minus strand). VCF-style: chr8-144516556-G-C. GRCh37 (hg19) VCF-style: chr8-145741940-G-C.
Other names: c.563C>G (NM_004260.3); short protein forms P188R.
Identifiers: ClinVar variation 1014091 (VCV001014091.2), dbSNP rs773241386, ClinGen allele CA4949247.

ClinVar aggregate classification (germline): Uncertain significance. Review status: criteria provided, multiple submitters, no conflicts (2 of 4 stars). 2 submissions from 2 submitters: Uncertain significance (2). Last evaluated 2025-11-25.

Conditions:
Baller-Gerold syndrome (BGS). Also called: CRANIOSYNOSTOSIS WITH RADIAL DEFECTS. Identifiers: Orphanet 1225, MedGen C0265308, MONDO:0009039, OMIM 218600.
Inborn genetic diseases. Identifiers: MedGen C0950123, MeSH D030342.

Allele frequency attached by ClinVar (database versions not stated): TOPMed 0.00002.

Submissions (2):

Ambry Genetics
Classification: Uncertain significance for Inborn genetic diseases. Last evaluated: 2025-11-25. Review status: criteria provided, single submitter. Criteria: Ambry Variant Classification Scheme 2023. Collection method: clinical testing. Allele origin: germline.
Comment: The p.P188R variant (also known as c.563C>G), located in coding exon 5 of the RECQL4 gene, results from a C to G substitution at nucleotide position 563. The proline at codon 188 is replaced by arginine, an amino acid with dissimilar properties. This amino acid position is conserved. In addition, this alteration is predicted to be tolerated by in silico analysis. Based on the available evidence, the clinical significance of this variant remains unclear.

Labcorp Genetics (formerly Invitae), Labcorp
Classification: Uncertain significance for Baller-Gerold syndrome. Last evaluated: 2020-08-25. Review status: criteria provided, single submitter. Criteria: Invitae Variant Classification Sherloc (09022015). Collection method: clinical testing. Allele origin: germline.
Comment: This sequence change replaces proline with arginine at codon 188 of the RECQL4 protein (p.Pro188Arg). The proline residue is highly conserved and there is a moderate physicochemical difference between proline and arginine. This variant is present in population databases (rs773241386, ExAC 0.01%). This variant has not been reported in the literature in individuals with RECQL4-related conditions. Experimental studies and prediction algorithms are not available or were not evaluated, and the functional significance of this variant is currently unknown. In summary, the available evidence is currently insufficient to determine the role of this variant in disease. Therefore, it has been classified as a Variant of Uncertain Significance.